The following is an entry in ClinVar:

ClinVar aggregate classification (germline): Uncertain significance (1 of 4 stars; one submission).

Conditions:
Melanoma, cutaneous malignant, susceptibility to, 5. Also called: Cutaneous malignant melanoma 5. Identifiers: Orphanet 618, MedGen C2751295, MONDO:0013133, OMIM 613099.

Submission:

Labcorp Genetics (formerly Invitae), Labcorp
Classification: Uncertain significance for Cutaneous malignant melanoma 5. Last evaluated: 2019-05-01. Review status: criteria provided, single submitter. Criteria: Invitae Variant Classification Sherloc (09022015). Collection method: clinical testing. Allele origin: germline.
Comment: This variant results in a copy number gain of the genomic region encompassing the full coding sequence of the MC1R gene. The boundaries of this event are unknown as they extend beyond the assayed region for this gene and therefore may encompass additional genes. As the precise location of this event is unknown, it may be in tandem or it may be located elsewhere in the genome. This variant has not been reported in the literature in individuals with MC1R-related conditions. In summary, the available evidence is currently insufficient to determine the role of this variant in disease. Therefore, it has been classified as a Variant of Uncertain Significance.

NC_000016.10:g.(?_89778791)_(89920222_?)dup

Genes: FANCA (FA complementation group A; minus strand), MC1R (melanocortin 1 receptor; plus strand), SPIRE2 (spire type actin nucleation factor 2; plus strand), TCF25 (TCF25 ribosome quality control complex subunit; plus strand). Cytogenetic location: 16q24.3.
Variant type: Duplication.
Identifiers: ClinVar variation 831294 (VCV000831294.1).